The following is an entry in ClinVar:

ClinVar aggregate classification (germline): Benign. Review status: criteria provided, multiple submitters, no conflicts (2 of 4 stars). 4 submissions from 3 submitters: Benign (4). Last evaluated 2021-05-13.

Conditions:
Leigh syndrome (NULS). Also called: Leigh's syndrome; Leigh Syndrome (mtDNA deletion); Leigh Disease; Leigh's necrotizing encephalopathy; Leigh's disease; Subacute necrotizing encephalopathy. Identifiers: Orphanet 506, MedGen C2931891, MONDO:0009723, OMIM 256000.
Mitochondrial complex I deficiency, nuclear type 1. Also called: NADH-COENZYME Q REDUCTASE DEFICIENCY; MITOCHONDRIAL NADH DEHYDROGENASE COMPONENT OF COMPLEX I, DEFICIENCY OF. Identifiers: MedGen C6022305, MONDO:0100224, OMIM 252010.

Allele frequency attached by ClinVar (database versions not stated): 1000 Genomes Project 30x 0.50625; 1000 Genomes Project 0.50839; TOPMed 0.54070; gnomAD 0.54694 and 0.55325; gnomAD exomes 0.55065.
gnomAD v4.1: 541,578 of 985,162 alleles (55%); highest among the groups gnomAD compares: African/African-American, 56%; 149,508 homozygotes.

Submissions (4):

GeneDx
Classification: Benign. Last evaluated: 2021-05-13. Review status: criteria provided, single submitter. Criteria: GeneDx Variant Classification Process June 2021. Collection method: clinical testing. Allele origin: germline. Affected: yes.

Illumina Laboratory Services, Illumina
Classification: Benign for Leigh syndrome. Last evaluated: 2018-01-12. Review status: criteria provided, single submitter. Criteria: ICSL Variant Classification Criteria 13 December 2019. Collection method: clinical testing. Allele origin: germline.
Comment: This variant was observed in the ICSL laboratory as part of a predisposition screen in an ostensibly healthy population. It had not been previously curated by ICSL or reported in the Human Gene Mutation Database (HGMD: prior to June 1st, 2018), and was therefore a candidate for classification through an automated scoring system. Utilizing variant allele frequency, disease prevalence and penetrance estimates, and inheritance mode, an automated score was calculated to assess if this variant is too frequent to cause the disease. Based on the score and internal cut-off values, a variant classified as benign is not then subjected to further curation. The score for this variant resulted in a classification of benign for this disease.

Illumina Laboratory Services, Illumina
Classification: Benign for Mitochondrial complex I deficiency, nuclear type 1. Last evaluated: 2018-01-12. Review status: criteria provided, single submitter. Criteria: ICSL Variant Classification Criteria 13 December 2019. Collection method: clinical testing. Allele origin: germline.
Comment: the same text as in the submission from Illumina Laboratory Services, Illumina above.

Breakthrough Genomics
Classification: Benign. Review status: criteria provided, single submitter. Criteria: ACMG Guidelines, 2015. Collection method: not provided. Allele origin: germline. Inheritance: Autosomal recessive inheritance. Affected: yes.

NM_004544.4(NDUFA10):c.*1957G>A

Gene: NDUFA10 (NADH:ubiquinone oxidoreductase subunit A10; minus strand). Cytogenetic location: 2q37.3.
Variant type: single nucleotide variant.
Coding change: c.*1957G>A on transcript NM_004544.4 (MANE Select); 1957 bases downstream of the stop codon, G replaced by A.
Molecular consequence: 3 prime UTR variant. On other transcripts: non-coding transcript variant (3).
Genome position (GRCh38, 1-based): chr2:239,959,161, C>T on the plus strand (G>A on the coding strand, the complement: NDUFA10 is on the minus strand). VCF-style: chr2-239959161-C-T. GRCh37 (hg19) VCF-style: chr2-240898578-C-T.
Other names: c.*1962G>A (NM_001322020.2).
Identifiers: ClinVar variation 335174 (VCV000335174.7), dbSNP rs4854069, ClinGen allele CA10614942.